The following is an entry in ClinVar:

ClinVar aggregate classification (germline): Pathogenic/Likely pathogenic. Review status: criteria provided, multiple submitters, no conflicts (2 of 4 stars). 4 submissions from 4 submitters: Pathogenic (3); Likely pathogenic (1). Last evaluated 2024-12-30.

Conditions:
Ehlers-Danlos syndrome, classic type, 1 (EDSCL1). Also called: EDS I; EHLERS-DANLOS SYNDROME, GRAVIS TYPE; EHLERS-DANLOS SYNDROME, SEVERE CLASSIC TYPE; Ehlers-Danlos syndrome, type 1; Ehlers-Danlos Syndrome, Classic Type, COL5A1-Related. Identifiers: MedGen C0268335, MONDO:0019567, OMIM 130000.
Fibromuscular dysplasia, multifocal. Identifiers: MedGen C5543412, MONDO:0859151, OMIM 619329.
COL5A1-related disorders.

gnomAD v4.1: 1 of 1,613,856 alleles (0.000062%); highest among the groups gnomAD compares: African/African-American, 0.0013%; no homozygotes.

Submissions (4):

Labcorp Genetics (formerly Invitae), Labcorp
Classification: Pathogenic for Ehlers-Danlos syndrome, classic type, 1. Last evaluated: 2024-12-30. Review status: criteria provided, single submitter. Criteria: Invitae Variant Classification Sherloc (09022015). Collection method: clinical testing. Allele origin: germline.
Comment: This sequence change creates a premature translational stop signal (p.Arg66*) in the COL5A1 gene. It is expected to result in an absent or disrupted protein product. Loss-of-function variants in COL5A1 are known to be pathogenic (PMID: 23587214). This variant is not present in population databases (gnomAD no frequency). This premature translational stop signal has been observed in individual(s) with clinical features of Ehlers-Danlos syndrome (PMID: 28485813). ClinVar contains an entry for this variant (Variation ID: 971716). For these reasons, this variant has been classified as Pathogenic.

Blueprint Genetics
Classification: Pathogenic for COL5A1-related disorders. Last evaluated: 2022-11-04. Review status: criteria provided, single submitter. Criteria: ACMG Guidelines, 2015. Collection method: clinical testing. Allele origin: germline. Affected: yes. Observed: 1 variant allele.

Fulgent Genetics
Classification: Likely pathogenic for Ehlers-Danlos syndrome, classic type, 1; Fibromuscular dysplasia, multifocal. Last evaluated: 2022-03-04. Review status: criteria provided, single submitter. Criteria: ACMG Guidelines, 2015. Collection method: clinical testing. Allele origin: unknown.

Laboratorio de Genetica e Diagnostico Molecular, Hospital Israelita Albert Einstein
Classification: Pathogenic for Ehlers-Danlos syndrome, classic type, 1. Last evaluated: 2021-06-28. Review status: criteria provided, single submitter. Criteria: ACMG Guidelines, 2015. Collection method: clinical testing. Allele origin: germline. Affected: yes.
Comment: ACMG classification criteria: PVS1 very strong, PS4 supporting, PM2 moderate

Literature cited by the submitters: PubMed 23587214 (cited by Labcorp Genetics (formerly Invitae), Labcorp); PubMed 28485813 (cited by Labcorp Genetics (formerly Invitae), Labcorp).

NM_000093.5(COL5A1):c.196C>T (p.Arg66Ter)

Gene: COL5A1 (collagen type V alpha 1 chain; plus strand). Cytogenetic location: 9q34.3.
Variant type: single nucleotide variant.
Coding change: c.196C>T on transcript NM_000093.5 (MANE Select); coding-DNA position 196, C replaced by T.
Protein change: p.Arg66Ter; replaces arginine 66 with a stop codon.
Molecular consequence: nonsense.
Genome position (GRCh38, 1-based): chr9:134,690,998, C>T. VCF-style: chr9-134690998-C-T. GRCh37 (hg19) VCF-style: chr9-137582844-C-T.
Other names: c.196C>T, p.Arg66Ter (NM_001278074.1); short protein forms R66*.
Identifiers: ClinVar variation 971716 (VCV000971716.14), dbSNP rs1833258579, ClinGen allele CA375440467.
Genomic context (GRCh38, chr9:134,690,998, plus strand): 5'-CTAGATTTTCACAACTTGCCTGATGGAATAACAAAGACAACAGGCTTTTGCGCCACGCGG[C>T]GATCTTCCAAAGGCCCGGATGTCGCTTACAGAGTCACCAAAGACGCGCAGCTCAGCGCAC-3'